The following is an entry in ClinVar:

ClinVar aggregate classification (germline): Uncertain significance (1 of 4 stars; one submission).

Conditions:
Chédiak-Higashi syndrome (CHS). Also called: Chediak-Higashi Syndrome. Identifiers: Orphanet 167, MedGen C0007965, MONDO:0008963, OMIM 214500.

Allele frequency attached by ClinVar (database versions not stated): TOPMed 0.00003.

Submission:

Labcorp Genetics (formerly Invitae), Labcorp
Classification: Uncertain significance for Chédiak-Higashi syndrome. Last evaluated: 2021-09-01. Review status: criteria provided, single submitter. Criteria: Invitae Variant Classification Sherloc (09022015). Collection method: clinical testing. Allele origin: germline.
Comment: This sequence change replaces cysteine with tyrosine at codon 1209 of the LYST protein (p.Cys1209Tyr). The cysteine residue is moderately conserved and there is a large physicochemical difference between cysteine and tyrosine. This variant is not present in population databases (ExAC no frequency). This variant has not been reported in the literature in individuals affected with LYST-related conditions. Algorithms developed to predict the effect of missense changes on protein structure and function (SIFT, PolyPhen-2, Align-GVGD) all suggest that this variant is likely to be tolerated. In summary, the available evidence is currently insufficient to determine the role of this variant in disease. Therefore, it has been classified as a Variant of Uncertain Significance.

NM_000081.4(LYST):c.3626G>A (p.Cys1209Tyr)

Gene: LYST (lysosomal trafficking regulator; minus strand). Cytogenetic location: 1q42.3.
Variant type: single nucleotide variant.
Coding change: c.3626G>A on transcript NM_000081.4 (MANE Select); coding-DNA position 3626, G replaced by A.
Protein change: p.Cys1209Tyr; replaces cysteine 1209 with tyrosine.
Molecular consequence: missense variant.
Genome position (GRCh38, 1-based): chr1:235,802,994, C>T on the plus strand (G>A on the coding strand, the complement: LYST is on the minus strand). VCF-style: chr1-235802994-C-T. GRCh37 (hg19) VCF-style: chr1-235966294-C-T.
Other names: c.3626G>A, p.Cys1209Tyr (NM_001301365.1); short protein forms C1209Y.
Identifiers: ClinVar variation 1063005 (VCV001063005.6), dbSNP rs1341447826, ClinGen allele CA344946912.